The following is an entry in ClinVar:

NM_014028.4(OSTM1):c.347A>T (p.Tyr116Phe)

Gene: OSTM1 (osteoclastogenesis associated transmembrane protein 1; minus strand). Cytogenetic location: 6q21.
Variant type: single nucleotide variant.
Coding change: c.347A>T on transcript NM_014028.4 (MANE Select); coding-DNA position 347, A replaced by T.
Protein change: p.Tyr116Phe; replaces tyrosine 116 with phenylalanine.
Molecular consequence: missense variant.
Genome position (GRCh38, 1-based): chr6:108,074,305, T>A on the plus strand (A>T on the coding strand, the complement: OSTM1 is on the minus strand). VCF-style: chr6-108074305-T-A. GRCh37 (hg19) VCF-style: chr6-108395509-T-A.
Other names: c.347A>T (NM_014028.3); short protein forms Y116F.
Identifiers: ClinVar variation 1393644 (VCV001393644.4), dbSNP rs750314879, ClinGen allele CA3948085.

ClinVar aggregate classification (germline): Uncertain significance. Review status: criteria provided, multiple submitters, no conflicts (2 of 4 stars). 2 submissions from 2 submitters: Uncertain significance (2). Last evaluated 2025-08-09.

Conditions:
Inborn genetic diseases. Identifiers: MedGen C0950123, MeSH D030342.

Allele frequency attached by ClinVar (database versions not stated): gnomAD 0.00002; gnomAD exomes 0.00002 and 0.00001; ExAC 0.00004.
gnomAD v4.1: 13 of 1,611,830 alleles (0.00081%); highest among the groups gnomAD compares: Non-Finnish European, 0.0011%; no homozygotes.

Submissions (2):

Ambry Genetics
Classification: Uncertain significance for Inborn genetic diseases. Last evaluated: 2025-08-09. Review status: criteria provided, single submitter. Criteria: Ambry Variant Classification Scheme 2023. Collection method: clinical testing. Allele origin: germline.

Labcorp Genetics (formerly Invitae), Labcorp
Classification: Uncertain significance. Last evaluated: 2022-08-31. Review status: criteria provided, single submitter. Criteria: Invitae Variant Classification Sherloc (09022015). Collection method: clinical testing. Allele origin: germline.
Comment: This sequence change replaces tyrosine, which is neutral and polar, with phenylalanine, which is neutral and non-polar, at codon 116 of the OSTM1 protein (p.Tyr116Phe). This variant is present in population databases (rs750314879, gnomAD 0.005%). This variant has not been reported in the literature in individuals affected with OSTM1-related conditions. ClinVar contains an entry for this variant (Variation ID: 1393644). Algorithms developed to predict the effect of missense changes on protein structure and function output the following: SIFT: "Tolerated"; PolyPhen-2: "Benign"; Align-GVGD: "Class C0". The phenylalanine amino acid residue is found in multiple mammalian species, which suggests that this missense change does not adversely affect protein function. In summary, the available evidence is currently insufficient to determine the role of this variant in disease. Therefore, it has been classified as a Variant of Uncertain Significance.